The following is an entry in ClinVar:

NM_030662.4(MAP2K2):c.286C>G (p.Leu96Val)

Gene: MAP2K2 (mitogen-activated protein kinase kinase 2; minus strand). Cytogenetic location: 19p13.3.
Variant type: single nucleotide variant.
Coding change: c.286C>G on transcript NM_030662.4 (MANE Select); coding-DNA position 286, C replaced by G.
Protein change: p.Leu96Val; replaces leucine 96 with valine.
Molecular consequence: missense variant.
Genome position (GRCh38, 1-based): chr19:4,117,436, G>C on the plus strand (C>G on the coding strand, the complement: MAP2K2 is on the minus strand). VCF-style: chr19-4117436-G-C. GRCh37 (hg19) VCF-style: chr19-4117434-G-C.
Other names: short protein forms L96V.
Identifiers: ClinVar variation 3636804 (VCV003636804.2).

ClinVar aggregate classification (germline): Uncertain significance (1 of 4 stars; one submission).

Conditions:
RASopathy. Also called: Noonan spectrum disorder; rasopathies. Identifiers: Orphanet 536391, MedGen C5555857, MONDO:0021060.

gnomAD v4.1: 1 of 1,613,500 alleles (0.000062%); highest among the groups gnomAD compares: Non-Finnish European, 0.000085%; no homozygotes.

Submission:

Labcorp Genetics (formerly Invitae), Labcorp
Classification: Uncertain significance for RASopathy. Last evaluated: 2024-02-22. Review status: criteria provided, single submitter. Criteria: Invitae Variant Classification Sherloc (09022015). Collection method: clinical testing. Allele origin: germline.
Comment: This sequence change replaces leucine, which is neutral and non-polar, with valine, which is neutral and non-polar, at codon 96 of the MAP2K2 protein (p.Leu96Val). This variant is not present in population databases (gnomAD no frequency). This variant has not been reported in the literature in individuals affected with MAP2K2-related conditions. Advanced modeling of protein sequence and biophysical properties (such as structural, functional, and spatial information, amino acid conservation, physicochemical variation, residue mobility, and thermodynamic stability) has been performed at Invitae for this missense variant, however the output from this modeling did not meet the statistical confidence thresholds required to predict the impact of this variant on MAP2K2 protein function. In summary, the available evidence is currently insufficient to determine the role of this variant in disease. Therefore, it has been classified as a Variant of Uncertain Significance.